The following is an entry in ClinVar:

NM_014956.5(CEP164):c.1089G>T (p.Glu363Asp)

Gene: CEP164 (centrosomal protein 164; plus strand). Cytogenetic location: 11q23.3.
Variant type: single nucleotide variant.
Coding change: c.1089G>T on transcript NM_014956.5 (MANE Select); coding-DNA position 1089, G replaced by T.
Protein change: p.Glu363Asp; replaces glutamic acid 363 with aspartic acid.
Molecular consequence: missense variant.
Genome position (GRCh38, 1-based): chr11:117,371,403, G>T. VCF-style: chr11-117371403-G-T. GRCh37 (hg19) VCF-style: chr11-117242119-G-T.
Other names: c.1089G>T, p.Glu363Asp (NM_001271933.2); short protein forms E363D.
Identifiers: ClinVar variation 1485326 (VCV001485326.8), dbSNP rs748917124, ClinGen allele CA382737950.

ClinVar aggregate classification (germline): Uncertain significance (1 of 4 stars; one submission).

Conditions:
Nephronophthisis 15 (NPHP15). Identifiers: Orphanet 3156, MedGen C3541853, MONDO:0013917, OMIM 614845.

Submission:

Labcorp Genetics (formerly Invitae), Labcorp
Classification: Uncertain significance for Nephronophthisis 15. Last evaluated: 2025-09-08. Review status: criteria provided, single submitter. Criteria: Invitae Variant Classification Sherloc (09022015). Collection method: clinical testing. Allele origin: germline.
Comment: This sequence change replaces glutamic acid, which is acidic and polar, with aspartic acid, which is acidic and polar, at codon 363 of the CEP164 protein (p.Glu363Asp). This variant is not present in population databases (gnomAD no frequency). This variant has not been reported in the literature in individuals affected with CEP164-related conditions. ClinVar contains an entry for this variant (Variation ID: 1485326). An algorithm developed to predict the effect of missense changes on protein structure and function (PolyPhen-2) suggests that this variant is likely to be tolerated. In summary, the available evidence is currently insufficient to determine the role of this variant in disease. Therefore, it has been classified as a Variant of Uncertain Significance.